The following is an entry in ClinVar:

ClinVar aggregate classification (germline): Uncertain significance (1 of 4 stars; one submission).

Conditions:
Candidiasis, familial, 9 (CANDF9). Identifiers: Orphanet 1334, MedGen C4225324, MONDO:0014642, OMIM 616445.

Submission:

Labcorp Genetics (formerly Invitae), Labcorp
Classification: Uncertain significance for Candidiasis, familial, 9. Last evaluated: 2019-12-17. Review status: criteria provided, single submitter. Criteria: Invitae Variant Classification Sherloc (09022015). Collection method: clinical testing. Allele origin: germline.
Comment: This sequence change affects a donor splice site in intron 17 of the IL17RC gene. It is expected to disrupt RNA splicing and likely results in an absent or disrupted protein product. This variant is not present in population databases (ExAC no frequency). This variant has not been reported in the literature in individuals with IL17RC-related conditions. Algorithms developed to predict the effect of sequence changes on RNA splicing suggest that this variant may disrupt the consensus splice site, but this prediction has not been confirmed by published transcriptional studies. The current clinical and genetic evidence is not sufficient to establish whether loss-of-function variants in IL17RC cause disease. In summary, the available evidence is currently insufficient to determine the role of this variant in disease. Therefore, it has been classified as a Variant of Uncertain Significance.

NM_153460.4(IL17RC):c.1483+1G>A

Gene: IL17RC (interleukin 17 receptor C; plus strand). Cytogenetic location: 3p25.3.
Variant type: single nucleotide variant.
Coding change: c.1483+1G>A on transcript NM_153460.4 (MANE Select); the canonical splice donor site of the intron after coding-DNA position 1483, G replaced by A.
Molecular consequence: splice donor variant.
Genome position (GRCh38, 1-based): chr3:9,932,704, G>A. VCF-style: chr3-9932704-G-A. GRCh37 (hg19) VCF-style: chr3-9974388-G-A.
Other names: c.1696+1G>A (NM_153461.4); c.1483+1G>A (NM_001203263.2); c.1432+1G>A (NM_001203264.2); c.1444+1G>A (NM_001367278.1); c.1438+1G>A (NM_032732.6, NM_001367280.1); c.1387+1G>A (NM_001203265.2, NM_001410711.1); c.1363+1G>A (NM_001367279.1).
Identifiers: ClinVar variation 846704 (VCV000846704.1), dbSNP rs746523276, ClinGen allele CA351703191.